The following is an entry in ClinVar:

NM_153717.3(EVC):c.1409_1420dup (p.Phe473_Leu474insGlnArgSerPhe)

Gene: EVC (EvC ciliary complex subunit 1; plus strand). Cytogenetic location: 4p16.2.
Variant type: Duplication.
Coding change: c.1409_1420dup on transcript NM_153717.3 (MANE Select); coding-DNA positions 1409 to 1420, 12 bases duplicated (AGAGAAGCTTCC).
Protein change: p.Phe473_Leu474insGlnArgSerPhe.
Molecular consequence: inframe insertion.
Genome position (GRCh38, 1-based): chr4:5,753,878-5,753,889, AGAGAAGCTTCC duplicated; duplicating any 12 consecutive bases within chr4:5,753,877-5,753,889 gives the same sequence; the c. name uses the placement nearest the transcript's 3' end. VCF-style (leftmost placement, unchanged base first): chr4-5753876-A-ACAGAGAAGCTTC. GRCh37 (hg19) VCF-style: chr4-5755603-A-ACAGAGAAGCTTC.
Other names: c.1409_1420dup, p.Phe473_Leu474insGlnArgSerPhe (NM_001306090.2, NM_001306092.2).
Identifiers: ClinVar variation 1973436 (VCV001973436.2), dbSNP rs2475424805, ClinGen allele CA2580071069.
Genomic context (GRCh38, chr4:5,753,876, plus strand): 5'-GGCGTCTCTGGCTCACCAGGTGGAGGGAACGGCAAAACTCACGCTGGCCCAAGAGGAGGA[A>ACAGAGAAGCTTC]CAGAGAAGCTTCCTGGCTGAGGCCCAGCCGACTGCTGACCCGGAAAAGTTTCTCGAGGTG-3'

ClinVar aggregate classification (germline): Uncertain significance (1 of 4 stars; one submission).

Conditions:
Ellis-van Creveld syndrome (EVC). Also called: EVC-Related Ellis-van Creveld Syndrome; EVC2-Related Ellis-van Creveld Syndrome; Chondroectodermal dysplasia; MESOECTODERMAL DYSPLASIA. Identifiers: Orphanet 289, MedGen C0013903, MONDO:0009162, OMIM 225500.
Curry-Hall syndrome (WAD). Also called: WEYERS ACRODENTAL DYSOSTOSIS. Identifiers: Orphanet 952, MedGen C0457013, MONDO:0008673, OMIM 193530.

Submission:

Labcorp Genetics (formerly Invitae), Labcorp
Classification: Uncertain significance for Curry-Hall syndrome; Ellis-van Creveld syndrome. Last evaluated: 2022-04-10. Review status: criteria provided, single submitter. Criteria: Invitae Variant Classification Sherloc (09022015). Collection method: clinical testing. Allele origin: germline.
Comment: This variant, c.1409_1420dup, results in the insertion of 4 amino acid(s) of the EVC protein (p.Gln470_Phe473dup), but otherwise preserves the integrity of the reading frame. This variant is not present in population databases (gnomAD no frequency). This variant has not been reported in the literature in individuals affected with EVC-related conditions. In summary, the available evidence is currently insufficient to determine the role of this variant in disease. Therefore, it has been classified as a Variant of Uncertain Significance.